The following is an entry in ClinVar:

ClinVar aggregate classification (germline): Uncertain significance. Review status: criteria provided, multiple submitters, no conflicts (2 of 4 stars). 3 submissions from 3 submitters: Uncertain significance (3). Last evaluated 2025-08-03.

Allele frequency attached by ClinVar (database versions not stated): gnomAD 0.00001 and 0.00003; TOPMed 0.00002; gnomAD exomes 0.00003 and 0.00008; ExAC 0.00011; 1000 Genomes Project 30x 0.00016; 1000 Genomes Project 0.00020.
gnomAD v4.1: 53 of 1,609,388 alleles (0.0033%); highest among the groups gnomAD compares: South Asian, 0.037%; no homozygotes.

Submissions (3):

Ambry Genetics
Classification: Uncertain significance. Last evaluated: 2025-08-03. Review status: criteria provided, single submitter. Criteria: Ambry Variant Classification Scheme 2023. Collection method: clinical testing. Allele origin: germline.

Labcorp Genetics (formerly Invitae), Labcorp
Classification: Uncertain significance. Last evaluated: 2021-08-18. Review status: criteria provided, single submitter. Criteria: Invitae Variant Classification Sherloc (09022015). Collection method: clinical testing. Allele origin: germline.
Comment: This sequence change replaces arginine with glutamine at codon 40 of the CEP250 protein (p.Arg40Gln). The arginine residue is moderately conserved and there is a small physicochemical difference between arginine and glutamine. This variant is present in population databases (rs547906210, ExAC 0.07%). This variant has not been reported in the literature in individuals affected with CEP250-related conditions. Algorithms developed to predict the effect of missense changes on protein structure and function output the following: SIFT: "Not Available"; PolyPhen-2: "Benign"; Align-GVGD: "Not Available". The glutamine amino acid residue is found in multiple mammalian species, which suggests that this missense change does not adversely affect protein function. In summary, the available evidence is currently insufficient to determine the role of this variant in disease. Therefore, it has been classified as a Variant of Uncertain Significance.

Blueprint Genetics
Classification: Uncertain significance. Last evaluated: 2020-12-10. Review status: criteria provided, single submitter. Criteria: ACMG Guidelines, 2015. Collection method: clinical testing. Allele origin: germline.

NM_007186.6(CEP250):c.119G>A (p.Arg40Gln)

Gene: CEP250 (centrosomal protein 250; plus strand). Cytogenetic location: 20q11.22.
Variant type: single nucleotide variant.
Coding change: c.119G>A on transcript NM_007186.6 (MANE Select); coding-DNA position 119, G replaced by A.
Protein change: p.Arg40Gln; replaces arginine 40 with glutamine.
Molecular consequence: missense variant. On other transcripts: 5 prime UTR variant (1).
Genome position (GRCh38, 1-based): chr20:35,462,486, G>A. VCF-style: chr20-35462486-G-A. GRCh37 (hg19) VCF-style: chr20-34050311-G-A.
Other names: c.119G>A (NM_007186.3); c.-1781G>A (NM_001318219.1); short protein forms R40Q.
Identifiers: ClinVar variation 1424535 (VCV001424535.8), dbSNP rs547906210, ClinGen allele CA9832507.
Genomic context (GRCh38, chr20:35,462,486, plus strand): 5'-TGGAAGAGCAGGTGCTGGCACTACAGCAGCAGATGGCAGAGAATCAGGCAGCCTCCTGGC[G>A]GAAGCTGAAGAACTCCCAGGAGGCCCAGCAGAGACAAGCAACCCTTGTGAGGAAGCTGCA-3'
Protein context (NP_009117.2, residues 30-50): QMAENQAASW[Arg40Gln]KLKNSQEAQQ